The following is an entry in ClinVar:

ClinVar aggregate classification (germline): Uncertain significance (1 of 4 stars; one submission).

Submission:

GeneDx
Classification: Uncertain significance. Last evaluated: 2024-10-16. Review status: criteria provided, single submitter. Criteria: GeneDx Variant Classification Process June 2021. Collection method: clinical testing. Allele origin: germline. Affected: yes.
Comment: Not observed at significant frequency in large population cohorts (gnomAD); In silico analysis supports that this missense variant has a deleterious effect on protein structure/function; Has not been previously published as pathogenic or benign to our knowledge

NM_152743.4(BRAT1):c.2132G>A (p.Cys711Tyr)

Gene: BRAT1 (BRCA1 associated ATM activator 1; minus strand). Cytogenetic location: 7p22.3.
Variant type: single nucleotide variant.
Coding change: c.2132G>A on transcript NM_152743.4 (MANE Select); coding-DNA position 2132, G replaced by A.
Protein change: p.Cys711Tyr; replaces cysteine 711 with tyrosine.
Molecular consequence: missense variant. On other transcripts: non-coding transcript variant (1).
Genome position (GRCh38, 1-based): chr7:2,538,403, C>T on the plus strand (G>A on the coding strand, the complement: BRAT1 is on the minus strand). VCF-style: chr7-2538403-C-T. GRCh37 (hg19) VCF-style: chr7-2578037-C-T.
Other names: c.2312G>A, p.Cys771Tyr (NM_001350626.2); c.1607G>A, p.Cys536Tyr (NM_001350627.2); short protein forms C711Y, C771Y, C536Y.
Identifiers: ClinVar variation 3781252 (VCV003781252.1).